The following is an entry in ClinVar:

NM_022168.4(IFIH1):c.1419del (p.Glu474fs)

Gene: IFIH1 (interferon induced with helicase C domain 1; minus strand). Cytogenetic location: 2q24.2.
Variant type: Deletion.
Coding change: c.1419del on transcript NM_022168.4 (MANE Select); coding-DNA position 1419, one base deleted (A; older notation c.1419delA).
Protein change: p.Glu474fs; shifts the reading frame from glutamic acid 474.
Molecular consequence: frameshift variant.
Genome position (GRCh38, 1-based): chr2:162,281,433, T deleted on the plus strand (A on the coding strand, the reverse complement: IFIH1 is on the minus strand); the first of 3 consecutive T bases (chr2:162,281,433-162,281,435); deleting any one gives the same sequence. VCF-style (leftmost placement, unchanged base first): chr2-162281432-CT-C. GRCh37 (hg19) VCF-style: chr2-163137942-CT-C.
Other names: short protein forms E474fs.
Identifiers: ClinVar variation 1500624 (VCV001500624.6), dbSNP rs2105201912, ClinGen allele CA2573133441.
Genomic context (GRCh38, chr2:162,281,432, plus strand): 5'-CAACACCAGGTGAAGCTGTTAGTCCCAGTATCTGAGGAAGGGGAATCACTGGTTTGTTTT[CT>C]TTCTTGAGTCTATTGTTTTTCAACTTCTGCATCAAATAATGCCTCATGATGTTATTATAC-3'

ClinVar aggregate classification (germline): Uncertain significance (1 of 4 stars; one submission).

Conditions:
Aicardi-Goutieres syndrome 7 (AGS7). Identifiers: Orphanet 51, MedGen C3888244, MONDO:0014367, OMIM 615846.
Singleton-Merten syndrome 1 (SGMRT1). Also called: Widened medullary cavities of bone, aortic calcification, abnormal dentition, and muscular weakness; Syndrome of widened medullary cavities of the metacarpals and phalanges, aortic calcification and abnormal dentition. Identifiers: Orphanet 85191, MedGen C4225427, MONDO:0024535, OMIM 182250.

Submission:

Labcorp Genetics (formerly Invitae), Labcorp
Classification: Uncertain significance for Aicardi-Goutieres syndrome 7; Singleton-Merten syndrome 1. Last evaluated: 2021-02-17. Review status: criteria provided, single submitter. Criteria: Invitae Variant Classification Sherloc (09022015). Collection method: clinical testing. Allele origin: germline.
Comment: In summary, the available evidence is currently insufficient to determine the role of this variant in disease. Therefore, it has been classified as a Variant of Uncertain Significance. This sequence change creates a premature translational stop signal (p.Glu474Lysfs*5) in the IFIH1 gene. It is expected to result in an absent or disrupted protein product. However, the current clinical and genetic evidence is not sufficient to establish whether loss-of-function variants in IFIH1 cause disease. This variant is not present in population databases (ExAC no frequency). This variant has not been reported in the literature in individuals with IFIH1-related conditions.